The following is an entry in ClinVar:

ClinVar aggregate classification (germline): Uncertain significance (1 of 4 stars; one submission).

Conditions:
Hereditary cancer-predisposing syndrome. Also called: Tumor predisposition; Neoplastic Syndromes, Hereditary; Hereditary neoplastic syndrome; Hereditary Cancer Syndrome. Identifiers: Orphanet 140162, MedGen C0027672, MeSH D009386, MONDO:0015356.

Submission:

Ambry Genetics
Classification: Uncertain significance for Hereditary cancer-predisposing syndrome. Last evaluated: 2024-07-15. Review status: criteria provided, single submitter. Criteria: Ambry Variant Classification Scheme 2023. Collection method: clinical testing. Allele origin: germline.
Comment: The p.G229A variant (also known as c.686G>C), located in coding exon 6 of the SDHA gene, results from a G to C substitution at nucleotide position 686. The glycine at codon 229 is replaced by alanine, an amino acid with similar properties. This amino acid position is conserved. In addition, the in silico prediction for this alteration is inconclusive. Based on the available evidence, the clinical significance of this variant remains unclear.

NM_004168.4(SDHA):c.686G>C (p.Gly229Ala)

Gene: SDHA (succinate dehydrogenase complex flavoprotein subunit A; plus strand). Cytogenetic location: 5p15.33.
Variant type: single nucleotide variant.
Coding change: c.686G>C on transcript NM_004168.4 (MANE Select); coding-DNA position 686, G replaced by C.
Protein change: p.Gly229Ala; replaces glycine 229 with alanine.
Molecular consequence: missense variant.
Genome position (GRCh38, 1-based): chr5:228,249, G>C. VCF-style: chr5-228249-G-C. GRCh37 (hg19) VCF-style: chr5-228364-G-C.
Other names: c.542G>C, p.Gly181Ala (NM_001294332.2); c.686G>C, p.Gly229Ala (NM_001330758.2); short protein forms G181A, G229A.
Identifiers: ClinVar variation 3438684 (VCV003438684.1).